The following is an entry in ClinVar:

ClinVar aggregate classification (germline): Pathogenic. Review status: criteria provided, multiple submitters, no conflicts (2 of 4 stars). 12 submissions from 12 submitters: Pathogenic (12). Last evaluated 2024-11-29.

Conditions:
CHD7-related disorder. Also called: CHD7-related condition.
CHARGE syndrome (CHARGE). Also called: Hittner Hirsch Kreh syndrome; Coloboma, heart anomaly, choanal atresia, retardation, genital and ear anomalies; CHARGE association; Hall-Hittner syndrome; CHARGE ASSOCIATION--COLOBOMA, HEART ANOMALY, CHOANAL ATRESIA, RETARDATION, GENITAL AND EAR ANOMALIES. Identifiers: Orphanet 138, MedGen C0265354, MONDO:0008965.

Submissions (12):

Labcorp Genetics (formerly Invitae), Labcorp
Classification: Pathogenic for CHARGE syndrome. Last evaluated: 2024-11-29. Review status: criteria provided, single submitter. Criteria: Invitae Variant Classification Sherloc (09022015). Collection method: clinical testing. Allele origin: germline.
Comment: This sequence change creates a premature translational stop signal (p.Arg1465*) in the CHD7 gene. It is expected to result in an absent or disrupted protein product. Loss-of-function variants in CHD7 are known to be pathogenic (PMID: 22461308, 25077900). This variant is not present in population databases (gnomAD no frequency). This premature translational stop signal has been observed in individual(s) with CHARGE syndrome (PMID: 16400610, 22033296). In at least one individual the variant was observed to be de novo. ClinVar contains an entry for this variant (Variation ID: 267430). For these reasons, this variant has been classified as Pathogenic.

Dasa
Classification: Pathogenic. Last evaluated: 2024-10-13. Review status: criteria provided, single submitter. Criteria: DASA Assertion Criteria. Collection method: clinical testing. Allele origin: germline.
Comment: NM_017780.4(CHD7):c.4393C>T (p.Arg1465*) introduces a premature termination codon predicted to result in loss of normal protein function. Loss-of-function is an established mechanism of disease for this gene. De novo occurrence has been reported in an individual with related phenotype. This variant has been recurrently observed in individuals with related phenotype (PMID: 16400610; PMID: 22033296). The variant is present at low frequency in population datasets. Based on the available data, this variant is classified as pathogenic.

Blueprint Genetics
Classification: Pathogenic for CHD7-related disorders. Last evaluated: 2024-08-19. Review status: criteria provided, single submitter. Criteria: ACMG Guidelines, 2015. Collection method: clinical testing. Allele origin: de novo. Affected: yes. Observed: 3 variant alleles.

3billion
Classification: Pathogenic for CHD7-related CHARGE syndrome. Last evaluated: 2024-03-07. Review status: criteria provided, single submitter. Criteria: ACMG Guidelines, 2015. Collection method: clinical testing. Allele origin: germline. Affected: yes.
Comment: The variant is not observed in the gnomAD v2.1.1 dataset. Predicted Consequence/Location: Stop-gained (nonsense): predicted to result in a loss or disruption of normal protein function through nonsense-mediated decay (NMD) or protein truncation. Multiple pathogenic variants are reported downstream of the variant. The variant has been reported at least twice as pathogenic with clinical assertions and evidence for the classification (ClinVar ID: VCV000267430 /PMID: 16400610). Therefore, this variant is classified as Pathogenic according to the recommendation of ACMG/AMP guideline.

PreventionGenetics, part of Exact Sciences
Classification: Pathogenic for CHD7-related condition. Last evaluated: 2022-11-09. Review status: criteria provided, single submitter. Criteria: ACMG Guidelines, 2015. Collection method: clinical testing. Allele origin: germline.
Comment: The CHD7 c.4393C>T variant is predicted to result in premature protein termination (p.Arg1465*). This variant has been previously reported in individuals with CHARGE syndrome (see for example Lalani et al. 2006. PubMed ID: 16400610; Bilan et al. 2012. PubMed ID: 22033296; Butcher et al. 2017. PubMed ID: 28475860, Table S5; Maron et al. 2021. PubMed ID: 33587123). This variant has not been reported in a large population database, indicating this variant is rare. Nonsense variants in CHD7 are expected to be pathogenic. This variant is interpreted as pathogenic.

GeneDx
Classification: Pathogenic. Last evaluated: 2022-07-18. Review status: criteria provided, single submitter. Criteria: GeneDx Variant Classification Process June 2021. Collection method: clinical testing. Allele origin: germline. Affected: yes.
Comment: Nonsense variant predicted to result in protein truncation or nonsense mediated decay in a gene for which loss-of-function is a known mechanism of disease; Not observed in large population cohorts (gnomAD); This variant is associated with the following publications: (PMID: 29304373, 25525159, 20186815, 28991257, 21158681, 16400610, 28475860, 22033296, 32368696, 33587123)

Victorian Clinical Genetics Services, Murdoch Childrens Research Institute
Classification: Pathogenic for CHD7-related CHARGE syndrome. Last evaluated: 2021-05-06. Review status: criteria provided, single submitter. Criteria: ACMG Guidelines, 2015. Collection method: clinical testing. Allele origin: germline. Inheritance: Autosomal dominant inheritance. Affected: yes.
Comment: Based on the classification scheme VCGS_Germline_v1.3.4, this variant is classified as Pathogenic. Following criteria are met: 0102 - Loss of function is a known mechanism of disease in this gene and is associated with CHARGE syndrome (MIM#214800). (I) 0107 - This gene is associated with autosomal dominant disease. (I) 0201 - Variant is predicted to cause nonsense-mediated decay (NMD) and loss of protein (premature termination codon is located at least 54 nucleotides upstream of the final exon-exon junction). (SP) 0251 - This variant is heterozygous. (I) 0301 - Variant is absent from gnomAD (both v2 and v3). (SP) 0701 - Other NMD predicted variants comparable to the one identified in this case have very strong previous evidence for pathogenicity. Other variants predicted to cause NMD have been reported as pathogenic in individuals with CHARGE syndrome (ClinVar). (SP) 0801 - This variant has strong previous evidence of pathogenicity in unrelated individuals. The variant has been previously reported in patients with CHARGE syndrome (ClinVar, PMID: 16400610, PMID: 22033296). (SP) Legend: (SP) - Supporting pathogenic, (I) - Information, (SB) - Supporting benign

Institute of Medical Genetics and Applied Genomics, University Hospital Tübingen
Classification: Pathogenic. Last evaluated: 2020-10-23. Review status: criteria provided, single submitter. Criteria: ACMG Guidelines, 2015. Collection method: clinical testing. Allele origin: germline. Inheritance: Autosomal dominant inheritance. Affected: yes.

Athena Diagnostics
Classification: Pathogenic. Last evaluated: 2019-08-28. Review status: criteria provided, single submitter. Criteria: Athena Diagnostics Criteria. Collection method: clinical testing. Allele origin: unknown.
Comment: This variant is expected to result in the loss of a functional protein. This variant has not been reported in large, multi-ethnic general populations. This variant has been identified in individuals with clinical features associated with this gene.

HudsonAlpha Institute for Biotechnology
Classification: Pathogenic for CHD7-related CHARGE syndrome. Last evaluated: 2019-04-29. Review status: criteria provided, single submitter. Criteria: ACMG Guidelines, 2015. Collection method: research. Allele origin: de novo. Affected: yes. Observed: 1 variant allele. Study: CSER-SouthSeq.
Comment: ACMG codes: PVS1, PS2, PM2, PP5

Genomic Diagnostic Laboratory, Division of Genomic Diagnostics, Children's Hospital of Philadelphia
Classification: Pathogenic for CHARGE syndrome. Last evaluated: 2016-09-05. Review status: criteria provided, single submitter. Criteria: DGD Variant Analysis Guidelines. Collection method: clinical testing. Allele origin: germline. Affected: yes. Observed: 1 variant allele.
Comment: Clinical Testing

Juno Genomics, Hangzhou Juno Genomics, Inc
Classification: Pathogenic for CHD7-related CHARGE syndrome. Review status: criteria provided, single submitter. Criteria: ACMG Guidelines, 2015. Collection method: clinical testing. Allele origin: germline. Affected: yes.
Comment: Absent from controls (or at extremely low frequency if recessive) in Genome Aggregation Database, Exome Sequencing Project, 1000 Genomes Project, or Exome Aggregation Consortium.;Null variant in a gene where loss of function (LOF) is a known mechanism of disease.;The prevalence of the variant in affected individuals is significantly increased compared to the prevalence in controls.;De novo (both maternity and paternity confirmed) in a patient with the disease and no family history.

Literature cited by the submitters: PubMed 22461308 (cited by Labcorp Genetics (formerly Invitae), Labcorp); PubMed 25077900 (cited by Labcorp Genetics (formerly Invitae), Labcorp); PubMed 16400610 (cited by 4 submitters); PubMed 22033296 (cited by 3 submitters).

NM_017780.4(CHD7):c.4393C>T (p.Arg1465Ter)

Gene: CHD7 (chromodomain helicase DNA binding protein 7; plus strand). Cytogenetic location: 8q12.2.
Variant type: single nucleotide variant.
Coding change: c.4393C>T on transcript NM_017780.4 (MANE Select); coding-DNA position 4393, C replaced by T.
Protein change: p.Arg1465Ter; replaces arginine 1465 with a stop codon.
Molecular consequence: nonsense. On other transcripts: intron variant (1).
Genome position (GRCh38, 1-based): chr8:60,838,115, C>T. VCF-style: chr8-60838115-C-T. GRCh37 (hg19) VCF-style: chr8-61750674-C-T.
Other names: c.4393C>T (LRG_176t1); c.1717-24114C>T (NM_001316690.1); short protein forms R1465*.
Identifiers: ClinVar variation 267430 (VCV000267430.24), dbSNP rs886040991, ClinGen allele CA10602497.